The following is an entry in ClinVar:

ClinVar aggregate classification (germline): Uncertain significance. Review status: criteria provided, multiple submitters, no conflicts (2 of 4 stars). 2 submissions from 2 submitters: Uncertain significance (2). Last evaluated 2024-01-04.

Conditions:
Pitt-Hopkins-like syndrome 2 (PTHSL2). Identifiers: Orphanet 221150, Orphanet 600663, MedGen C3280479, MONDO:0013690, OMIM 614325.
Inborn genetic diseases. Identifiers: MedGen C0950123, MeSH D030342.

Allele frequency attached by ClinVar (database versions not stated): gnomAD 0.00001.
gnomAD v4.1: 1 of 1,612,972 alleles (0.000062%); highest among the groups gnomAD compares: African/African-American, 0.0013%; no homozygotes.

Submissions (2):

Ambry Genetics
Classification: Uncertain significance for Inborn genetic diseases. Last evaluated: 2024-01-04. Review status: criteria provided, single submitter. Criteria: Ambry Variant Classification Scheme 2023. Collection method: clinical testing. Allele origin: germline.

Labcorp Genetics (formerly Invitae), Labcorp
Classification: Uncertain significance for Pitt-Hopkins-like syndrome 2. Last evaluated: 2021-01-30. Review status: criteria provided, single submitter. Criteria: Invitae Variant Classification Sherloc (09022015). Collection method: clinical testing. Allele origin: germline.
Comment: Algorithms developed to predict the effect of missense changes on protein structure and function are either unavailable or do not agree on the potential impact of this missense change (SIFT: "Deleterious"; PolyPhen-2: "Probably Damaging"; Align-GVGD: "Class C0"). In summary, the available evidence is currently insufficient to determine the role of this variant in disease. Therefore, it has been classified as a Variant of Uncertain Significance. This variant has not been reported in the literature in individuals with NRXN1-related conditions. This variant is not present in population databases (ExAC no frequency). This sequence change replaces cysteine with tyrosine at codon 326 of the NRXN1 protein (p.Cys326Tyr). The cysteine residue is highly conserved and there is a large physicochemical difference between cysteine and tyrosine.

NM_001330078.2(NRXN1):c.878G>A (p.Cys293Tyr)

Gene: NRXN1 (neurexin 1; minus strand). Cytogenetic location: 2p16.3.
Variant type: single nucleotide variant.
Coding change: c.878G>A on transcript NM_001330078.2 (MANE Select); coding-DNA position 878, G replaced by A.
Protein change: p.Cys293Tyr; replaces cysteine 293 with tyrosine.
Molecular consequence: missense variant.
Genome position (GRCh38, 1-based): chr2:50,623,570, C>T on the plus strand (G>A on the coding strand, the complement: NRXN1 is on the minus strand). VCF-style: chr2-50623570-C-T. GRCh37 (hg19) VCF-style: chr2-50850708-C-T.
Other names: c.977G>A (NM_001135659.1); c.878G>A, p.Cys293Tyr (NM_001330095.2, NM_004801.6, NM_001330077.2 and 3 more transcripts); c.818G>A, p.Cys273Tyr (NM_001330096.2, NM_001330083.2, NM_001330084.2 and 1 more transcripts); c.977G>A, p.Cys326Tyr (NM_001135659.3); c.848G>A, p.Cys283Tyr (NM_001330088.2); c.875G>A, p.Cys292Tyr (NM_001330093.2); c.866G>A, p.Cys289Tyr (NM_001330094.2); short protein forms C283Y, C273Y, C293Y, C326Y, C289Y, C292Y.
Identifiers: ClinVar variation 1505843 (VCV001505843.9), dbSNP rs1680434525, ClinGen allele CA346822634.